The following is an entry in ClinVar:

ClinVar aggregate classification (germline): Conflicting classifications of pathogenicity. Review status: criteria provided, conflicting classifications (1 of 4 stars). 6 submissions from 6 submitters: Uncertain significance (4); Likely benign (2). Last evaluated 2026-01-18.

Conditions:
Hereditary cancer-predisposing syndrome. Also called: Neoplastic Syndromes, Hereditary; Hereditary Cancer Syndrome; Hereditary neoplastic syndrome; Tumor predisposition. Identifiers: Orphanet 140162, MedGen C0027672, MeSH D009386, MONDO:0015356.
Nonpapillary renal cell carcinoma. Identifiers: Orphanet 422526, MedGen CN074294, MONDO:0007763, OMIM 144700.
Colorectal cancer. Also called: Colorectal cancer, somatic; Malignant Colorectal Neoplasm. Identifiers: MedGen C0346629, MONDO:0005575, OMIM 114500.
Familial spontaneous pneumothorax (PSP). Identifiers: Orphanet 2903, MedGen C1868193, MONDO:0008259, OMIM 173600.
Birt-Hogg-Dube syndrome 1 (BHD1). Also called: FIBROFOLLICULOMAS WITH TRICHODISCOMAS AND ACROCHORDONS. Identifiers: Orphanet 122, MedGen CN375946, MONDO:0800445, OMIM 135150.
Birt-Hogg-Dube syndrome. Also called: Birt Hogg Dubé syndrome. Identifiers: Orphanet 122, MedGen C0346010, MONDO:0800444.

Allele frequency attached by ClinVar (database versions not stated): gnomAD exomes below 0.00001 and 0.00002; gnomAD 0.00001; TOPMed 0.00001; ExAC 0.00002; 1000 Genomes Project 30x 0.00016; 1000 Genomes Project 0.00020.

Submissions (6):

Labcorp Genetics (formerly Invitae), Labcorp
Classification: Uncertain significance for Birt-Hogg-Dube syndrome. Last evaluated: 2026-01-18. Review status: criteria provided, single submitter. Criteria: Invitae Variant Classification Sherloc (09022015). Collection method: clinical testing. Allele origin: germline.
Comment: This sequence change replaces glycine, which is neutral and non-polar, with serine, which is neutral and polar, at codon 235 of the FLCN protein (p.Gly235Ser). This variant is present in population databases (rs200693409, gnomAD 0.02%). This variant has not been reported in the literature in individuals affected with FLCN-related conditions. ClinVar contains an entry for this variant (Variation ID: 826792). Invitae Evidence Modeling of protein sequence and biophysical properties (such as structural, functional, and spatial information, amino acid conservation, physicochemical variation, residue mobility, and thermodynamic stability) indicates that this missense variant is not expected to disrupt FLCN protein function with a negative predictive value of 80%. In summary, the available evidence is currently insufficient to determine the role of this variant in disease. Therefore, it has been classified as a Variant of Uncertain Significance.

Center for Genomic Medicine, Rigshospitalet, Copenhagen University Hospital
Classification: Uncertain significance. Last evaluated: 2025-03-04. Review status: criteria provided, single submitter. Criteria: ACMG Guidelines, 2015. Collection method: clinical testing. Allele origin: germline.

Myriad Genetics, Inc.
Classification: Likely benign for Birt-Hogg-Dube syndrome 1. Last evaluated: 2024-08-26. Review status: criteria provided, single submitter. Criteria: Myriad Autosomal Dominant, Autosomal Recessive and X-Linked Classification Criteria (2023). Collection method: clinical testing. Allele origin: unknown.
Comment: This variant is considered likely benign. This variant has been observed at a population frequency that is significantly greater than expected given the associated disease prevalence and penetrance.

Fulgent Genetics
Classification: Uncertain significance for Colorectal cancer; Birt-Hogg-Dube syndrome 1; Nonpapillary renal cell carcinoma; Familial spontaneous pneumothorax. Last evaluated: 2024-03-22. Review status: criteria provided, single submitter. Criteria: ACMG Guidelines, 2015. Collection method: clinical testing. Allele origin: germline.

Baylor Genetics
Classification: Uncertain significance for Birt-Hogg-Dube syndrome 1. Last evaluated: 2023-07-19. Review status: criteria provided, single submitter. Criteria: ACMG Guidelines, 2015. Collection method: clinical testing. Allele origin: unknown.

Ambry Genetics
Classification: Likely benign for Hereditary cancer-predisposing syndrome. Last evaluated: 2022-08-23. Review status: criteria provided, single submitter. Criteria: Ambry Variant Classification Scheme 2023. Collection method: clinical testing. Allele origin: germline.

NM_144997.7(FLCN):c.703G>A (p.Gly235Ser)

Gene: FLCN (folliculin; minus strand). Cytogenetic location: 17p11.2.
Variant type: single nucleotide variant.
Coding change: c.703G>A on transcript NM_144997.7 (MANE Select); coding-DNA position 703, G replaced by A.
Protein change: p.Gly235Ser; replaces glycine 235 with serine.
Molecular consequence: missense variant.
Genome position (GRCh38, 1-based): chr17:17,222,577, C>T on the plus strand (G>A on the coding strand, the complement: FLCN is on the minus strand). VCF-style: chr17-17222577-C-T. GRCh37 (hg19) VCF-style: chr17-17125891-C-T.
Other names: c.757G>A, p.Gly253Ser (NM_001353229.2); c.703G>A, p.Gly235Ser (NM_001353230.2, NM_001353231.2, NM_144606.7); short protein forms G235S, G253S.
Identifiers: ClinVar variation 826792 (VCV000826792.16), dbSNP rs200693409, ClinGen allele CA8416335.